The following is an entry in ClinVar:

ClinVar aggregate classification (germline): Pathogenic. Review status: criteria provided, multiple submitters, no conflicts (2 of 4 stars). 10 submissions from 10 submitters: Pathogenic (8). 2 of the submissions do not count toward it. Last evaluated 2026-01-28.

Conditions:
BBS10-related disorder. Also called: BBS10-related condition.
Bardet-Biedl syndrome (BBS). Identifiers: Orphanet 110, MedGen C0752166, MONDO:0015229.
Bardet-Biedl syndrome 10 (BBS10). Identifiers: Orphanet 110, MedGen C1859568, MONDO:0014438, OMIM 615987.

Allele frequency attached by ClinVar (database versions not stated): ExAC 0.00002; gnomAD 0.00002; gnomAD exomes 0.00002 and 0.00006; TOPMed 0.00003.

Submissions (10):

Labcorp Genetics (formerly Invitae), Labcorp
Classification: Pathogenic for Bardet-Biedl syndrome. Last evaluated: 2026-01-28. Review status: criteria provided, single submitter. Criteria: Invitae Variant Classification Sherloc (09022015). Collection method: clinical testing. Allele origin: germline.
Comment: This sequence change creates a premature translational stop signal (p.Val230Phefs*7) in the BBS10 gene. While this is not anticipated to result in nonsense mediated decay, it is expected to disrupt the last 494 amino acid(s) of the BBS10 protein. This variant is present in population databases (rs761101213, gnomAD 0.004%). This premature translational stop signal has been observed in individual(s) with autosomal recessive Bardet-Biedl syndrome (PMID: 16582908, 20472660, 21642631). ClinVar contains an entry for this variant (Variation ID: 216123). This variant disrupts a region of the BBS10 protein in which other variant(s) (p.Val707*) have been determined to be pathogenic (PMID: 20472660, 22773737, 25982971, 27486776). This suggests that this is a clinically significant region of the protein, and that variants that disrupt it are likely to be disease-causing. For these reasons, this variant has been classified as Pathogenic.

GeneDx
Classification: Pathogenic. Last evaluated: 2025-09-26. Review status: criteria provided, single submitter. Criteria: GeneDx Variant Classification Process June 2021. Collection method: clinical testing. Allele origin: germline.
Comment: Frameshift variant predicted to result in abnormal protein length as the last 494 amino acids are replaced with six different amino acids, and other similar variants have been reported in HGMD; This variant is associated with the following publications: (PMID: 25982971, 20472660, 21642631, 31964843, 35055178, 21157496, 16582908, 32160518)

Natera, Inc.
Classification: Pathogenic for Bardet-Biedl syndrome type 10. Last evaluated: 2025-07-23. Review status: criteria provided, single submitter. Criteria: Natera Variant Classification Schema (03/2026). Collection method: clinical testing. Allele origin: germline.
Comment: The c.687delT variant in BBS10 is a frameshift variant predicted to shift the reading frame beginning at codon 230 and leads to a stop codon 7 codons downstream. This variant is expected to result in nonsense mediated decay, truncation, or a dysfunctional protein product. This variant is rare in the general population with a frequency below the threshold expected for the associated phenotype(s). This variant has been observed in one or more individuals affected with the associated recessive disease, as either homozygous or compound heterozygous with a second variant (PMID: 21344540). Given the available evidence, this variant is classified as Pathogenic.

Women's Health and Genetics/Laboratory Corporation of America, LabCorp
Classification: Pathogenic for Bardet-Biedl syndrome. Last evaluated: 2025-03-05. Review status: criteria provided, single submitter. Criteria: LabCorp Variant Classification Summary - May 2015. Collection method: clinical testing. Allele origin: germline.
Comment: Variant summary: BBS10 c.687delT (p.Val230PhefsX7) results in a premature termination codon, predicted to cause a truncation of the encoded protein, which is a commonly known mechanism for disease. Truncations downstream of this position have been classified as pathogenic by our laboratory (e.g. c.1091delA (p.Asn364fsX5), c.1677delC (p.Tyr559X), and c.2119_2120delGT (p.Val707X)). The variant allele was found at a frequency of 2e-05 in 251270 control chromosomes. c.687delT has been reported in the literature in individuals affected with Bardet-Biedl Syndrome (Billingsley_2010, Chen_2011, Pereiro_2011). These data indicate that the variant is likely to be associated with disease. To our knowledge, no experimental evidence demonstrating an impact on protein function has been reported. The following publications have been ascertained in the context of this evaluation (PMID: 16582908, 20472660, 21344540, 21157496, 27959697, 21642631). ClinVar contains an entry for this variant (Variation ID: 216123). Based on the evidence outlined above, the variant was classified as pathogenic.

Fulgent Genetics
Classification: Pathogenic for Bardet-Biedl syndrome 10. Last evaluated: 2024-05-09. Review status: criteria provided, single submitter. Criteria: ACMG Guidelines, 2015. Collection method: clinical testing. Allele origin: germline.

Revvity Omics, Revvity
Classification: Pathogenic for Bardet-Biedl syndrome 10. Last evaluated: 2021-12-29. Review status: criteria provided, single submitter. Criteria: ACMG Guidelines, 2015. Collection method: clinical testing. Allele origin: germline.

Blueprint Genetics
Classification: Pathogenic for BBS10-related disorders. Last evaluated: 2021-11-26. Review status: criteria provided, single submitter. Criteria: ACMG Guidelines, 2015. Collection method: clinical testing. Allele origin: germline. Affected: yes. Observed: 5 variant alleles.

Eurofins Ntd Llc (ga)
Classification: Pathogenic. Last evaluated: 2015-07-31. Review status: criteria provided, single submitter. Criteria: EGL Classification Definitions 2015. Collection method: clinical testing. Allele origin: germline. Observed: 1 variant allele, 1 heterozygote.

PreventionGenetics, part of Exact Sciences
Classification: Pathogenic for BBS10-related condition. Last evaluated: 2024-08-07. Review status: no assertion criteria provided. Collection method: clinical testing. Allele origin: germline. Not counted in ClinVar's aggregate classification.
Comment: The BBS10 c.687delT variant is predicted to result in a frameshift and premature protein termination (p.Val230Phefs*7). This variant has been reported in multiple individuals with Bardet-Biedl syndrome (Stoetzel et al. 2006. PubMed ID: 16582908; Billingsley et al. 2010. PubMed ID: 20472660; Chen et al. 2011. PubMed ID: 21642631). This variant is reported in 0.0044% of alleles in individuals of European (Non-Finnish) descent in gnomAD. Frameshift variants in BBS10 are expected to be pathogenic. This variant is interpreted as pathogenic.

Counsyl
Classification: Pathogenic for Bardet-Biedl syndrome 10. Last evaluated: 2018-02-20. Review status: no assertion criteria provided. Collection method: clinical testing. Allele origin: unknown. Not counted in ClinVar's aggregate classification.

Literature cited by the submitters: PubMed 16582908 (cited by 3 submitters); PubMed 20472660 (cited by 3 submitters); PubMed 21642631 (cited by 3 submitters); PubMed 22773737 (cited by Labcorp Genetics (formerly Invitae), Labcorp); PubMed 25982971 (cited by Labcorp Genetics (formerly Invitae), Labcorp); PubMed 27486776 (cited by Labcorp Genetics (formerly Invitae), Labcorp); PubMed 21344540 (cited by Natera, Inc. and Women's Health and Genetics/Laboratory Corporation of America, LabCorp); PubMed 21157496 (cited by Women's Health and Genetics/Laboratory Corporation of America, LabCorp); PubMed 27959697 (cited by Women's Health and Genetics/Laboratory Corporation of America, LabCorp).

NM_024685.4(BBS10):c.687del (p.Val230fs)

Gene: BBS10 (Bardet-Biedl syndrome 10; minus strand). Cytogenetic location: 12q21.2.
Variant type: Deletion.
Coding change: c.687del on transcript NM_024685.4 (MANE Select); coding-DNA position 687, one base deleted (T; older notation c.687delT).
Protein change: p.Val230fs; shifts the reading frame from valine 230.
Molecular consequence: frameshift variant.
Genome position (GRCh38, 1-based): chr12:76,347,298, A deleted on the plus strand (T on the coding strand, the reverse complement: BBS10 is on the minus strand). VCF-style (leftmost placement, unchanged base first): chr12-76347297-CA-C. GRCh37 (hg19) VCF-style: chr12-76741077-CA-C.
Other names: c.687del, p.Val230fs (LRG_1255t1); c.687delT (NM_024685.4); c.687del (NM_024685.3); short protein forms V230fs.
Identifiers: ClinVar variation 216123 (VCV000216123.35), dbSNP rs761101213, ClinGen allele CA337221.